The following is an entry in ClinVar:

NM_182746.3(MCM4):c.1306G>A (p.Ala436Thr)

Gene: MCM4 (minichromosome maintenance complex component 4; plus strand). Cytogenetic location: 8q11.21.
Variant type: single nucleotide variant.
Coding change: c.1306G>A on transcript NM_182746.3 (MANE Select); coding-DNA position 1306, G replaced by A.
Protein change: p.Ala436Thr; replaces alanine 436 with threonine.
Molecular consequence: missense variant.
Genome position (GRCh38, 1-based): chr8:47,969,929, G>A. VCF-style: chr8-47969929-G-A. GRCh37 (hg19) VCF-style: chr8-48882489-G-A.
Other names: c.1306G>A (NM_005914.3); c.1306G>A, p.Ala436Thr (NM_005914.4); short protein forms A436T.
Identifiers: ClinVar variation 1465216 (VCV001465216.9), dbSNP rs1216756447, ClinGen allele CA4742584.

ClinVar aggregate classification (germline): Uncertain significance. Review status: criteria provided, multiple submitters, no conflicts (2 of 4 stars). 2 submissions from 2 submitters: Uncertain significance (2). Last evaluated 2025-07-02.

Allele frequency attached by ClinVar (database versions not stated): gnomAD 0.00001; gnomAD exomes 0.00001; ExAC 0.00002; TOPMed 0.00002.
gnomAD v4.1: 13 of 1,614,096 alleles (0.00081%); highest among the groups gnomAD compares: Middle Eastern, 0.033%; no homozygotes.

Submissions (2):

Labcorp Genetics (formerly Invitae), Labcorp
Classification: Uncertain significance. Last evaluated: 2025-07-02. Review status: criteria provided, single submitter. Criteria: Invitae Variant Classification Sherloc (09022015). Collection method: clinical testing. Allele origin: germline.
Comment: This sequence change replaces alanine, which is neutral and non-polar, with threonine, which is neutral and polar, at codon 436 of the MCM4 protein (p.Ala436Thr). This variant is present in population databases (no rsID available, gnomAD 0.0009%). This variant has not been reported in the literature in individuals affected with MCM4-related conditions. ClinVar contains an entry for this variant (Variation ID: 1465216). Invitae Evidence Modeling of protein sequence and biophysical properties (such as structural, functional, and spatial information, amino acid conservation, physicochemical variation, residue mobility, and thermodynamic stability) indicates that this missense variant is not expected to disrupt MCM4 protein function with a negative predictive value of 80%. In summary, the available evidence is currently insufficient to determine the role of this variant in disease. Therefore, it has been classified as a Variant of Uncertain Significance.

Ambry Genetics
Classification: Uncertain significance. Last evaluated: 2022-05-11. Review status: criteria provided, single submitter. Criteria: Ambry Variant Classification Scheme 2023. Collection method: clinical testing. Allele origin: germline.